The following is an entry in ClinVar:

NM_000465.4(BARD1):c.322T>C (p.Cys108Arg)

Gene: BARD1 (BRCA1 associated RING domain 1; minus strand). Cytogenetic location: 2q35.
Variant type: single nucleotide variant.
Coding change: c.322T>C on transcript NM_000465.4 (MANE Select); coding-DNA position 322, T replaced by C.
Protein change: p.Cys108Arg; replaces cysteine 108 with arginine.
Molecular consequence: missense variant. On other transcripts: non-coding transcript variant (1), intron variant (2).
Genome position (GRCh38, 1-based): chr2:214,792,339, A>G on the plus strand (T>C on the coding strand, the complement: BARD1 is on the minus strand). VCF-style: chr2-214792339-A-G. GRCh37 (hg19) VCF-style: chr2-215657063-A-G.
Other names: c.265T>C, p.Cys89Arg (NM_001282543.2); c.322T>C, p.Cys108Arg (NM_001282549.2); c.158+17073T>C (NM_001282548.2); c.215+4722T>C (NM_001282545.2); short protein forms C108R, C89R.
Identifiers: ClinVar variation 406773 (VCV000406773.18), dbSNP rs1060501298, ClinGen allele CA16610756.
Genomic context (GRCh38, chr2:214,792,339, plus strand): 5'-GATAGGGATAGTTCTTACCTGACAGCTCATTGTCATGTAGCAAATTTCGAAGCTTACTAC[A>G]AAGTTGAATCATGCTGTCCAGTTGTCTATTTATCTTCAAGTCTTGTATCCAGGCCGGGGT-3'
Protein context (NP_000456.2, residues 98-118): NRQLDSMIQL[Cys108Arg]SKLRNLLHDN

ClinVar aggregate classification (germline): Uncertain significance. Review status: criteria provided, multiple submitters, no conflicts (2 of 4 stars). 5 submissions from 5 submitters: Uncertain significance (5). Last evaluated 2025-03-13.

Conditions:
Hereditary cancer-predisposing syndrome. Also called: Hereditary Cancer Syndrome; Hereditary neoplastic syndrome; Neoplastic Syndromes, Hereditary; Tumor predisposition. Identifiers: Orphanet 140162, MedGen C0027672, MeSH D009386, MONDO:0015356.
Familial cancer of breast. Also called: BREAST CANCER, FAMILIAL; Hereditary breast cancer; hereditary breast carcinoma. Identifiers: Orphanet 227535, MedGen C0346153, MONDO:0016419, OMIM 114480. Disease mechanism: loss of function.

Allele frequency attached by ClinVar (database versions not stated): gnomAD exomes below 0.00001; TOPMed below 0.00001.
gnomAD v4.1: 1 of 1,613,502 alleles (0.000062%); highest among the groups gnomAD compares: Non-Finnish European, 0.000085%; no homozygotes.

Submissions (5):

Quest Diagnostics Nichols Institute San Juan Capistrano
Classification: Uncertain significance. Last evaluated: 2025-03-13. Review status: criteria provided, single submitter. Criteria: Quest Diagnostics criteria. Collection method: clinical testing. Allele origin: unknown.
Comment: The BARD1 c.322T>C (p.Cys108Arg) variant has been identified in the published literature in in a reportedly healthy individual (PMID: 33471991 (2021), see also LOVD). This variant has not been reported in large, multi-ethnic general populations (Genome Aggregation Database). Analysis of this variant using bioinformatics tools for the prediction of the effect of amino acid changes on protein structure and function yielded predictions that this variant is benign. Based on the available information, we are unable to determine the clinical significance of this variant.

Labcorp Genetics (formerly Invitae), Labcorp
Classification: Uncertain significance for Familial cancer of breast. Last evaluated: 2024-11-24. Review status: criteria provided, single submitter. Criteria: Invitae Variant Classification Sherloc (09022015). Collection method: clinical testing. Allele origin: germline.
Comment: This sequence change replaces cysteine, which is neutral and slightly polar, with arginine, which is basic and polar, at codon 108 of the BARD1 protein (p.Cys108Arg). This variant is not present in population databases (gnomAD no frequency). This variant has not been reported in the literature in individuals affected with BARD1-related conditions. ClinVar contains an entry for this variant (Variation ID: 406773). An algorithm developed to predict the effect of missense changes on protein structure and function (PolyPhen-2) suggests that this variant is likely to be disruptive. In summary, the available evidence is currently insufficient to determine the role of this variant in disease. Therefore, it has been classified as a Variant of Uncertain Significance.

Color Diagnostics, LLC DBA Color Health
Classification: Uncertain significance for Hereditary cancer-predisposing syndrome. Last evaluated: 2023-08-07. Review status: criteria provided, single submitter. Criteria: ACMG Guidelines, 2015. Collection method: clinical testing. Allele origin: germline.
Comment: This missense variant replaces cysteine with arginine at codon 108 of the BARD1 protein. Computational prediction suggests that this variant may not impact protein structure and function (internally defined REVEL score threshold <= 0.5, PMID: 27666373). To our knowledge, functional studies have not been reported for this variant. This variant has not been reported in individuals affected with BARD1-related disorders in the literature. This variant has not been identified in the general population by the Genome Aggregation Database (gnomAD). The available evidence is insufficient to determine the role of this variant in disease conclusively. Therefore, this variant is classified as a Variant of Uncertain Significance.

Baylor Genetics
Classification: Uncertain significance for Familial cancer of breast. Last evaluated: 2023-05-19. Review status: criteria provided, single submitter. Criteria: ACMG Guidelines, 2015. Collection method: clinical testing. Allele origin: unknown.

Ambry Genetics
Classification: Uncertain significance for Hereditary cancer-predisposing syndrome. Last evaluated: 2021-04-15. Review status: criteria provided, single submitter. Criteria: Ambry Variant Classification Scheme 2023. Collection method: clinical testing. Allele origin: germline.
Comment: The p.C108R variant (also known as c.322T>C), located in coding exon 3 of the BARD1 gene, results from a T to C substitution at nucleotide position 322. The cysteine at codon 108 is replaced by arginine, an amino acid with highly dissimilar properties. This amino acid position is not well conserved in available vertebrate species. In addition, this alteration is predicted to be tolerated by in silico analysis. Since supporting evidence is limited at this time, the clinical significance of this alteration remains unclear.

Literature cited by the submitters: PubMed 33471991 (cited by Quest Diagnostics Nichols Institute San Juan Capistrano).